The following is an entry in ClinVar:

ClinVar aggregate classification (germline): Pathogenic (1 of 4 stars; one submission).

Submission:

Labcorp Genetics (formerly Invitae), Labcorp
Classification: Pathogenic. Last evaluated: 2024-12-12. Review status: criteria provided, single submitter. Criteria: Invitae Variant Classification Sherloc (09022015). Collection method: clinical testing. Allele origin: germline.
Comment: This sequence change creates a premature translational stop signal (p.Glu954Aspfs*12) in the OTOGL gene. It is expected to result in an absent or disrupted protein product. Loss-of-function variants in OTOGL are known to be pathogenic (PMID: 23122586). This variant is present in population databases (rs745708322, gnomAD 0.003%). This variant has not been reported in the literature in individuals affected with OTOGL-related conditions. Algorithms developed to predict the effect of sequence changes on RNA splicing suggest that this variant may disrupt the consensus splice site. For these reasons, this variant has been classified as Pathogenic.

Literature cited by the submitters: PubMed 23122586.

NM_001378609.3(OTOGL):c.2889del (p.Glu963fs)

Gene: OTOGL (otogelin like; plus strand). Cytogenetic location: 12q21.31.
Variant type: Deletion.
Coding change: c.2889del on transcript NM_001378609.3 (MANE Select); coding-DNA position 2889, one base deleted (A; older notation c.2889delA).
Protein change: p.Glu963fs; shifts the reading frame from glutamic acid 963.
Molecular consequence: frameshift variant.
Genome position (GRCh38, 1-based): chr12:80,279,127, A deleted; the last of 2 consecutive A bases (chr12:80,279,126-80,279,127); deleting either gives the same sequence. VCF-style (leftmost placement, unchanged base first): chr12-80279125-GA-G. GRCh37 (hg19) VCF-style: chr12-80672905-GA-G.
Other names: c.2889del, p.Glu963fs (NM_001368062.3, NM_001378610.3, NM_173591.7); short protein forms E963fs.
Identifiers: ClinVar variation 3612289 (VCV003612289.2).
Genomic context (GRCh38, chr12:80,279,125, plus strand): 5'-CCATGCCCAGCAGTGTGCACAATATACGGGGACCGACATTATTATTCTTTTGATGGACTA[GA>G]ATATGACTATATCAGTGATTGCCAGGTGTTTTTGATAAAGGTAGGTCACAGTTACACATT-3'